The following is an entry in ClinVar:

NM_007315.4(STAT1):c.440G>A (p.Arg147Lys)

Gene: STAT1 (signal transducer and activator of transcription 1; minus strand). Cytogenetic location: 2q32.2.
Variant type: single nucleotide variant.
Coding change: c.440G>A on transcript NM_007315.4 (MANE Select); coding-DNA position 440, G replaced by A.
Protein change: p.Arg147Lys; replaces arginine 147 with lysine.
Molecular consequence: missense variant. On other transcripts: intron variant (1).
Genome position (GRCh38, 1-based): chr2:191,001,096, C>T on the plus strand (G>A on the coding strand, the complement: STAT1 is on the minus strand). VCF-style: chr2-191001096-C-T. GRCh37 (hg19) VCF-style: chr2-191865822-C-T.
Other names: c.446G>A, p.Arg149Lys (NM_001384881.1, NM_001384884.1); c.440G>A, p.Arg147Lys (NM_001384882.1, NM_001384883.1, NM_001384885.1 and 7 more transcripts); c.476G>A, p.Arg159Lys (NM_001384891.1); c.373-1392G>A (NM_001384890.1); short protein forms R147K, R149K, R159K.
Identifiers: ClinVar variation 4281866 (VCV004281866.1).

ClinVar aggregate classification (germline): Uncertain significance (1 of 4 stars; one submission).

Submission:

GeneDx
Classification: Uncertain significance. Last evaluated: 2025-04-16. Review status: criteria provided, single submitter. Criteria: GeneDx Variant Classification Process June 2021. Collection method: clinical testing. Allele origin: germline. Affected: yes.
Comment: Not observed at significant frequency in large population cohorts (gnomAD); In silico analysis indicates that this missense variant does not alter protein structure/function; Has not been previously published as pathogenic or benign to our knowledge